The following is an entry in ClinVar:

NM_000138.5(FBN1):c.368G>A (p.Cys123Tyr)

Gene: FBN1 (fibrillin 1; minus strand). Cytogenetic location: 15q21.1.
Variant type: single nucleotide variant.
Coding change: c.368G>A on transcript NM_000138.5 (MANE Select); coding-DNA position 368, G replaced by A.
Protein change: p.Cys123Tyr; replaces cysteine 123 with tyrosine.
Molecular consequence: missense variant.
Genome position (GRCh38, 1-based): chr15:48,600,213, C>T on the plus strand (G>A on the coding strand, the complement: FBN1 is on the minus strand). VCF-style: chr15-48600213-C-T. GRCh37 (hg19) VCF-style: chr15-48892410-C-T.
Other names: short protein forms C123Y.
Identifiers: ClinVar variation 42340 (VCV000042340.12), dbSNP rs397515794, ClinGen allele CA014457.

ClinVar aggregate classification (germline): Pathogenic. Review status: criteria provided, multiple submitters, no conflicts (2 of 4 stars). 5 submissions from 5 submitters: Pathogenic (4). 1 of the submissions does not count toward it. Last evaluated 2024-07-10.

Conditions:
Marfan syndrome (MFS). Also called: FBN1-Related Marfan Syndrome; Marfan syndrome, classic; MARFAN SYNDROME, TYPE I; Marfan syndrome type 1; Marfan's syndrome. Identifiers: Orphanet 284963, Orphanet 558, MedGen C0024796, MONDO:0007947, OMIM 154700.
Progeroid and marfanoid aspect-lipodystrophy syndrome. Also called: MARFANOID-PROGEROID-LIPODYSTROPHY SYNDROME; Marfan lipodystrophy syndrome; MARFANOID-PROGEROID SYNDROME; MARFAN-PROGEROID-LIPODYSTROPHY SYNDROME. Identifiers: Orphanet 300382, MedGen C4310796, MONDO:0014831, OMIM 616914.
MASS syndrome (OCTD). Also called: MASS PHENOTYPE; OVERLAP CONNECTIVE TISSUE DISEASE. Identifiers: MedGen C1858556, MONDO:0011431, OMIM 604308.
Geleophysic dysplasia 2 (GPHYSD2). Identifiers: Orphanet 2623, MedGen C3280054, MONDO:0013612, OMIM 614185.
Stiff skin syndrome (SSKS). Identifiers: Orphanet 2833, MedGen C1861456, MONDO:0008492, OMIM 184900.
Ectopia lentis 1, isolated, autosomal dominant (ECTOL1). Identifiers: Orphanet 1885, MedGen C3541518, MONDO:0007514, OMIM 129600.
Weill-Marchesani syndrome 2, dominant. Also called: Weill-Marchesani Syndrome, Autosomal Dominant; FBN1-Related Weill-Marchesani Syndrome. Identifiers: Orphanet 2084, MedGen C1869115, MONDO:0012013, OMIM 608328.
Acromicric dysplasia (ACMICD). Also called: Acromicric skeletal dysplasia. Identifiers: Orphanet 969, MedGen C0265287, MONDO:0007055, OMIM 102370.
Familial thoracic aortic aneurysm and aortic dissection (TAAD). Also called: Thoracic aortic aneurysms and dissections. Identifiers: Orphanet 91387, MedGen C4707243, MONDO:0019625.
FBN1-related disorder. Also called: FBN1-related disorders.

gnomAD v4.1: 1 of 1,613,650 alleles (0.000062%); no homozygotes.

Submissions (5):

3billion
Classification: Pathogenic for Marfan syndrome. Last evaluated: 2024-07-10. Review status: criteria provided, single submitter. Criteria: ACMG Guidelines, 2015. Collection method: clinical testing. Allele origin: germline. Affected: yes.
Comment: The variant is observed at an extremely low frequency in the gnomAD v4.0.0 dataset (total allele frequency: <0.001%). Predicted Consequence/Location: Missense variant In silico tool predictions suggest damaging effect of the variant on gene or gene product [REVEL: 0.97 (>=0.6, sensitivity 0.68 and specificity 0.92); 3Cnet: 0.98 (>=0.6, sensitivity 0.72 and precision 0.9)]. The same nucleotide change resulting in the same amino acid change has been previously reported as pathogenic/likely pathogenic with strong evidence (ClinVar ID: VCV000042340 /PMID: 16222657). The variant has been observed in multiple (>3) similarly affected unrelated individuals (PMID: 15983637, 16222657, 18435798, 21932315). Different missense changes at the same codon (p.Cys123Arg, p.Cys123Gly, p.Cys123Ser) have been reported to be associated with FBN1-related disorder (ClinVar ID: VCV001074922 /PMID: 27906200, 31098894). Therefore, this variant is classified as Pathogenic according to the recommendation of ACMG/AMP guideline.

Labcorp Genetics (formerly Invitae), Labcorp
Classification: Pathogenic for Marfan syndrome; Familial thoracic aortic aneurysm and aortic dissection. Last evaluated: 2023-05-05. Review status: criteria provided, single submitter. Criteria: Invitae Variant Classification Sherloc (09022015). Collection method: clinical testing. Allele origin: germline.
Comment: This sequence change replaces cysteine, which is neutral and slightly polar, with tyrosine, which is neutral and polar, at codon 123 of the FBN1 protein (p.Cys123Tyr). This variant is not present in population databases (gnomAD no frequency). This missense change has been observed in individuals with FBN1-related conditions (PMID: 16222657, 18435798, 21932315). ClinVar contains an entry for this variant (Variation ID: 42340). Advanced modeling of protein sequence and biophysical properties (such as structural, functional, and spatial information, amino acid conservation, physicochemical variation, residue mobility, and thermodynamic stability) performed at Invitae indicates that this missense variant is expected to disrupt FBN1 protein function. This variant affects a cysteine residue in the EGF-like, TGFBP or hybrid motif domains of FBN1. Cysteine residues are believed to be involved in intramolecular disulfide bridges and have been shown to be important for FBN1 protein structure (PMID: 16905551, 19349279). In addition, missense substitutions affecting cysteine residues within these domains are significantly overrepresented among patients with Marfan syndrome (PMID: 16571647, 17701892). For these reasons, this variant has been classified as Pathogenic.

Laboratory for Molecular Medicine, Mass General Brigham Personalized Medicine
Classification: Pathogenic for Marfan syndrome. Last evaluated: 2011-06-03. Review status: criteria provided, single submitter. Criteria: LMM Criteria. Collection method: clinical testing. Allele origin: germline. Observed: 1 variant allele.
Comment: The Cys123Tyr variant has been reported in 3 individuals with a clinical diagnos is of or suspected Marfan syndrome and was absent from 220 control chromosomes ( Arbustini 2005, D'Amore 2005, Attanasio 2008). In addition, this variant affects a cysteine residue. Cysteine substitutions are a common finding in individuals with Marfan syndrome (Schrijver 1999). The Cys123Tyr variant also lies within a functional domain of FBN1 and is likely to be responsible for the clinical featu res observed in this individual. Therefore, this variant is highly likely to be pathogenic.

Center for Genomics, Ann and Robert H. Lurie Children's Hospital of Chicago
Classification: Pathogenic for Geleophysic dysplasia 2; Weill-Marchesani syndrome 2, dominant; Ectopia lentis 1, isolated, autosomal dominant; MASS syndrome; Progeroid and marfanoid aspect-lipodystrophy syndrome; Acromicric dysplasia; Marfan syndrome; Stiff skin syndrome. Review status: criteria provided, single submitter. Criteria: ACMG Guidelines, 2015. Collection method: clinical testing. Allele origin: germline.
Comment: This variant has been reported in the literature in at least 4 individuals with clinical suspicion or diagnoses of Marfan syndrome, with ectopia lentis noted in each patient (D'Amore 2005 PMID: 15983637; Arbustini 2005 PMID: 16222657; Attanasio 2008 PMID: 18435798; Zadeh 2011 PMID: 21932315). This variant is absent from gnomAD. It is present in ClinVar, with the only submitting laboratory classifying it as pathogenic (Variation ID: 42340). This variant alters a cysteine residue in an EGF-like domain of the encoded protein; cysteine residues in EGF-like and cbEGF-like domains of the fibrillin-1 protein are well-established as important for protein structure and function (Robinson 2006 PMID: 16571647; Faivre 2007 PMID: 17701892). Evolutionary conservation and computational prediction tools strongly support that this variant impacts the protein. Other variants at this same amino acid position (p.Cys123Arg, p.Cys123Gly) have also been reported in association with disease (Zhou 2021 PMID: 33576469; Li 2019 PMID: 31098894), further supporting the functional importance of the wild-type residue. In summary, this variant is classified as pathogenic.

PreventionGenetics, part of Exact Sciences
Classification: Pathogenic for FBN1-related condition. Last evaluated: 2024-07-17. Review status: no assertion criteria provided. Collection method: clinical testing. Allele origin: germline. Not counted in ClinVar's aggregate classification.
Comment: The FBN1 c.368G>A variant is predicted to result in the amino acid substitution p.Cys123Tyr. This variant has been reported in multiple individuals with Marfan syndrome (Arbustini et al. 2005. PubMed ID: 16222657; Attanasio et al. 2008. PubMed ID: 18435798; Zadeh et al. 2011. PubMed ID: 21932315). Alternate substitutions of this amino acid residue (p.Cys123Phe, p.Cys123Arg, p.Cys123Gly) have been reported in individuals with Marfan syndrome (Table S1, Guo et al. 2024. PubMed ID: 38190127; Groth et al. 2017. PubMed ID: 27906200; Table S1, Groth et al. 2017. PubMed ID: 27906200). Cysteine residues in this region of FBN1 are known to be critical for formation of disulfide bonds within the protein (Mellody et al. 2006. PubMed ID: 16905551). This variant is absent in the large population database gnomAD, indicating this variant is rare. This variant is interpreted as pathogenic.

Literature cited by the submitters: PubMed 16222657 (cited by 3 submitters); PubMed 15983637 (cited by 3billion and Laboratory for Molecular Medicine, Mass General Brigham Personalized Medicine); PubMed 27906200 (cited by 3billion); PubMed 18435798 (cited by 3 submitters); PubMed 21932315 (cited by 3billion and Labcorp Genetics (formerly Invitae), Labcorp); PubMed 16905551 (cited by Labcorp Genetics (formerly Invitae), Labcorp); PubMed 19349279 (cited by Labcorp Genetics (formerly Invitae), Labcorp); PubMed 16571647 (cited by Labcorp Genetics (formerly Invitae), Labcorp); PubMed 17701892 (cited by Labcorp Genetics (formerly Invitae), Labcorp); PubMed 10486319 (cited by Laboratory for Molecular Medicine, Mass General Brigham Personalized Medicine).